The following is an entry in ClinVar:

NM_000540.3(RYR1):c.6492G>A (p.Ser2164=)

Gene: RYR1 (ryanodine receptor 1; plus strand). Cytogenetic location: 19q13.2.
Variant type: single nucleotide variant.
Coding change: c.6492G>A on transcript NM_000540.3 (MANE Select); coding-DNA position 6492, G replaced by A.
Protein change: p.Ser2164=; no amino-acid change (serine 2164 retained).
Molecular consequence: synonymous variant.
Genome position (GRCh38, 1-based): chr19:38,494,569, G>A. VCF-style: chr19-38494569-G-A. GRCh37 (hg19) VCF-style: chr19-38985209-G-A.
Other names: c.6492G>A, p.Ser2164= (NM_001042723.2).
Identifiers: ClinVar variation 1128460 (VCV001128460.10), dbSNP rs372928743, ClinGen allele CA068300.

ClinVar aggregate classification (germline): Likely benign. Review status: criteria provided, multiple submitters, no conflicts (2 of 4 stars). 2 submissions from 2 submitters: Likely benign (2). Last evaluated 2025-04-23.

Conditions:
RYR1-related disorder. Also called: RYR1-related condition; RYR1-related disorders. Identifiers: MedGen CN239331.
Malignant hyperthermia, susceptibility to, 1 (MHS1). Also called: Anesthesia related hyperthermia; Malignant hyperpyrexia; Fulminating hyperpyrexia; Pharmacogenic myopathy; Malignant hyperthermia suceptibility 1; RYR1-Related Malignant Hyperthermia Susceptibility. Identifiers: Orphanet 423, MedGen C2930980, MONDO:0007783, OMIM 145600.

Allele frequency attached by ClinVar (database versions not stated): gnomAD exomes 0.00001; ExAC 0.00002; gnomAD 0.00002; TOPMed 0.00004; ESP Exome Variant Server 0.00008.
gnomAD v4.1: 9 of 1,614,010 alleles (0.00056%); highest among the groups gnomAD compares: African/African-American, 0.004%; no homozygotes.

Submissions (2):

Labcorp Genetics (formerly Invitae), Labcorp
Classification: Likely benign for RYR1-related disorder. Last evaluated: 2025-04-23. Review status: criteria provided, single submitter. Criteria: Invitae Variant Classification Sherloc (09022015). Collection method: clinical testing. Allele origin: germline.

All of Us Research Program, National Institutes of Health
Classification: Likely benign for Malignant hyperthermia, susceptibility to, 1. Last evaluated: 2023-07-22. Review status: criteria provided, single submitter. Criteria: ACMG Guidelines, 2015. Collection method: clinical testing. Allele origin: germline. Inheritance: Autosomal dominant inheritance. Observed: 1 variant allele, 1 heterozygote.
Comment: This study involves interpretation of variants in research participants for the purpose of population health screening. Participant phenotype was not available at the time of variant classification. Additional details can be found in publication PMID: 35346344, PMCID: PMC8962531